The following is an entry in ClinVar:

ClinVar aggregate classification (germline): Uncertain significance. Review status: criteria provided, multiple submitters, no conflicts (2 of 4 stars). 2 submissions from 2 submitters: Uncertain significance (2). Last evaluated 2023-11-14.

Conditions:
Isolated microphthalmia 3 (MCOPS16). Also called: MICROPHTHALMIA, SYNDROMIC 16. Identifiers: Orphanet 2542, MedGen C5774181, MONDO:0012604, OMIM 611038.

Allele frequency attached by ClinVar (database versions not stated): 1000 Genomes Project 0.00020; gnomAD exomes 0.00042; TOPMed 0.00043; ExAC 0.00046; gnomAD 0.00048; 1000 Genomes Project 30x 0.00062.
gnomAD v4.1: 1,148 of 1,553,686 alleles (0.074%); highest among the groups gnomAD compares: Non-Finnish European, 0.097%; no homozygotes.

Submissions (2):

Labcorp Genetics (formerly Invitae), Labcorp
Classification: Uncertain significance for Isolated microphthalmia 3. Last evaluated: 2023-11-14. Review status: criteria provided, single submitter. Criteria: Invitae Variant Classification Sherloc (09022015). Collection method: clinical testing. Allele origin: germline.
Comment: This sequence change replaces proline, which is neutral and non-polar, with glutamine, which is neutral and polar, at codon 288 of the RAX protein (p.Pro288Gln). This variant is present in population databases (rs538022273, gnomAD 0.1%). This variant has not been reported in the literature in individuals affected with RAX-related conditions. ClinVar contains an entry for this variant (Variation ID: 891347). An algorithm developed to predict the effect of missense changes on protein structure and function (PolyPhen-2) suggests that this variant is likely to be disruptive. In summary, the available evidence is currently insufficient to determine the role of this variant in disease. Therefore, it has been classified as a Variant of Uncertain Significance.

Illumina Laboratory Services, Illumina
Classification: Uncertain significance for Isolated microphthalmia 3. Last evaluated: 2018-01-15. Review status: criteria provided, single submitter. Criteria: ICSL Variant Classification Criteria 13 December 2019. Collection method: clinical testing. Allele origin: germline.

NM_013435.3(RAX):c.863C>A (p.Pro288Gln)

Gene: RAX (retina and anterior neural fold homeobox; minus strand). Cytogenetic location: 18q21.32.
Variant type: single nucleotide variant.
Coding change: c.863C>A on transcript NM_013435.3 (MANE Select); coding-DNA position 863, C replaced by A.
Protein change: p.Pro288Gln; replaces proline 288 with glutamine.
Molecular consequence: missense variant.
Genome position (GRCh38, 1-based): chr18:59,269,182, G>T on the plus strand (C>A on the coding strand, the complement: RAX is on the minus strand). VCF-style: chr18-59269182-G-T. GRCh37 (hg19) VCF-style: chr18-56936414-G-T.
Other names: short protein forms P288Q.
Identifiers: ClinVar variation 891347 (VCV000891347.6), dbSNP rs538022273, ClinGen allele CA8979261.